The following is an entry in ClinVar:

ClinVar aggregate classification (germline): Uncertain significance (1 of 4 stars; one submission).

Conditions:
Familial thoracic aortic aneurysm and aortic dissection (TAAD). Also called: Thoracic aortic aneurysms and dissections. Identifiers: Orphanet 91387, MedGen C4707243, MONDO:0019625.

gnomAD v4.1: 3 of 1,613,620 alleles (0.00019%); highest among the groups gnomAD compares: Admixed American, 0.0017%; no homozygotes.

Submission:

Ambry Genetics
Classification: Uncertain significance for Familial thoracic aortic aneurysm and aortic dissection. Last evaluated: 2026-08-29. Review status: criteria provided, single submitter. Criteria: Ambry Variant Classification Scheme 2023. Collection method: clinical testing. Allele origin: germline.
Comment: The p.D2063E variant (also known as c.6189T>A), located in coding exon 49 of the FBN2 gene, results from a T to A substitution at nucleotide position 6189. The aspartic acid at codon 2063 is replaced by glutamic acid, an amino acid with highly similar properties. This amino acid position is conserved. In addition, this alteration is predicted to be tolerated by in silico analysis. Based on the available evidence, the clinical significance of this variant remains unclear.

NM_001999.4(FBN2):c.6189T>A (p.Asp2063Glu)

Gene: FBN2 (fibrillin 2; minus strand). Cytogenetic location: 5q23.3.
Variant type: single nucleotide variant.
Coding change: c.6189T>A on transcript NM_001999.4 (MANE Select); coding-DNA position 6189, T replaced by A.
Protein change: p.Asp2063Glu; replaces aspartic acid 2063 with glutamic acid.
Molecular consequence: missense variant.
Genome position (GRCh38, 1-based): chr5:128,291,632, A>T on the plus strand (T>A on the coding strand, the complement: FBN2 is on the minus strand). VCF-style: chr5-128291632-A-T. GRCh37 (hg19) VCF-style: chr5-127627324-A-T.
Other names: short protein forms D2063E.
Identifiers: ClinVar variation 5021641 (VCV005021641.1).